The following is an entry in ClinVar:

NM_203447.4(DOCK8):c.53G>A (p.Arg18Lys)

Genes: DOCK8-AS1 (DOCK8 antisense RNA 1; minus strand), DOCK8 (dedicator of cytokinesis 8; plus strand), LOC130001437 (ATAC-STARR-seq lymphoblastoid silent region 19722; plus strand). Cytogenetic location: 9p24.3.
Variant type: single nucleotide variant.
Coding change: c.53G>A on transcript NM_203447.4 (MANE Select); coding-DNA position 53, G replaced by A.
Protein change: p.Arg18Lys; replaces arginine 18 with lysine.
Molecular consequence: missense variant. On other transcripts: non-coding transcript variant (1).
Genome position (GRCh38, 1-based): chr9:215,029, G>A. VCF-style: chr9-215029-G-A. GRCh37 (hg19) VCF-style: chr9-215029-G-A.
Other names: short protein forms R18K.
Identifiers: ClinVar variation 1370037 (VCV001370037.7), dbSNP rs1197388365, ClinGen allele CA372755865.

ClinVar aggregate classification (germline): Uncertain significance (1 of 4 stars; one submission).

Allele frequency attached by ClinVar (database versions not stated): TOPMed below 0.00001; gnomAD 0.00001.
gnomAD v4.1: 1 of 1,582,496 alleles (0.000063%); highest among the groups gnomAD compares: Non-Finnish European, 0.000085%; no homozygotes.

Submission:

Labcorp Genetics (formerly Invitae), Labcorp
Classification: Uncertain significance for Combined immunodeficiency due to DOCK8 deficiency. Last evaluated: 2024-10-28. Review status: criteria provided, single submitter. Criteria: Invitae Variant Classification Sherloc (09022015). Collection method: clinical testing. Allele origin: germline.
Comment: This sequence change replaces arginine, which is basic and polar, with lysine, which is basic and polar, at codon 18 of the DOCK8 protein (p.Arg18Lys). This variant also falls at the last nucleotide of exon 1, which is part of the consensus splice site for this exon. This variant is not present in population databases (gnomAD no frequency). This variant has not been reported in the literature in individuals affected with DOCK8-related conditions. ClinVar contains an entry for this variant (Variation ID: 1370037). An algorithm developed to predict the effect of missense changes on protein structure and function (PolyPhen-2) suggests that this variant¬†is likely to be tolerated. Variants that disrupt the consensus splice site are a relatively common cause of aberrant splicing (PMID: 17576681, 9536098). Algorithms developed to predict the effect of sequence changes on RNA splicing suggest that this variant may disrupt the consensus splice site. In summary, the available evidence is currently insufficient to determine the role of this variant in disease. Therefore, it has been classified as a Variant of Uncertain Significance.

Literature cited by the submitters: PubMed 17576681; PubMed 9536098.